The following is an entry in ClinVar:

NM_020971.3(SPTBN4):c.4613C>T (p.Ala1538Val)

Gene: SPTBN4 (spectrin beta, non-erythrocytic 4; plus strand). Cytogenetic location: 19q13.2.
Variant type: single nucleotide variant.
Coding change: c.4613C>T on transcript NM_020971.3 (MANE Select); coding-DNA position 4613, C replaced by T.
Protein change: p.Ala1538Val; replaces alanine 1538 with valine.
Molecular consequence: missense variant.
Genome position (GRCh38, 1-based): chr19:40,550,266, C>T. VCF-style: chr19-40550266-C-T. GRCh37 (hg19) VCF-style: chr19-41056172-C-T.
Other names: c.641C>T, p.Ala214Val (NM_025213.3); c.4613C>T (NM_020971.2); short protein forms A214V, A1538V.
Identifiers: ClinVar variation 4942363 (VCV004942363.2).

ClinVar aggregate classification (germline): Likely benign. Review status: criteria provided, multiple submitters, no conflicts (2 of 4 stars). 2 submissions from 2 submitters: Likely benign (2). Last evaluated 2025-09-18.

Conditions:
SPTBN4-related disorder. Also called: SPTBN4-related condition.

gnomAD v4.1: 1,141 of 1,613,242 alleles (0.071%); highest among the groups gnomAD compares: South Asian, 0.12%; 6 homozygotes.

Submissions (2):

PreventionGenetics, part of Exact Sciences
Classification: Likely benign for SPTBN4-related condition. Last evaluated: 2025-09-18. Review status: criteria provided, single submitter. Criteria: ACMG Guidelines, 2015. Collection method: clinical testing. Allele origin: germline.
Comment: This variant is classified as likely benign based on ACMG/AMP sequence variant interpretation guidelines (Richards et al. 2015 PMID: 25741868, with internal and published modifications).

Blueprint Genetics
Classification: Likely benign. Last evaluated: 2024-11-20. Review status: criteria provided, single submitter. Criteria: ACMG Guidelines, 2015. Collection method: clinical testing. Allele origin: germline.